The following is an entry in ClinVar:

NM_000090.4(COL3A1):c.2627G>C (p.Gly876Ala)

Gene: COL3A1 (collagen type III alpha 1 chain; plus strand). Cytogenetic location: 2q32.2.
Variant type: single nucleotide variant.
Coding change: c.2627G>C on transcript NM_000090.4 (MANE Select); coding-DNA position 2627, G replaced by C.
Protein change: p.Gly876Ala; replaces glycine 876 with alanine.
Molecular consequence: missense variant.
Genome position (GRCh38, 1-based): chr2:189,003,753, G>C. VCF-style: chr2-189003753-G-C. GRCh37 (hg19) VCF-style: chr2-189868479-G-C.
Other names: short protein forms G876A.
Identifiers: ClinVar variation 987809 (VCV000987809.10), dbSNP rs1158155272, ClinGen allele CA349843575.
Genomic context (GRCh38, chr2:189,003,753, plus strand): 5'-GTTCTACTTTTGAAATTCAAAAATATATTACCATTTCACAGGGTGCTGCTGGCTTCCCTG[G>C]TGCTCGTGGTCTTCCTGGTCCTCCTGGTAGTAATGTAAGTAATTGTTAAAGTCTTTTCTC-3'
Protein context (NP_000081.2, residues 866-886): PGGPGAAGFP[Gly876Ala]ARGLPGPPGS

ClinVar aggregate classification (germline): Likely pathogenic. Review status: criteria provided, multiple submitters, no conflicts (2 of 4 stars). 2 submissions from 2 submitters: Likely pathogenic (2). Last evaluated 2020-11-30.

Conditions:
Ehlers-Danlos syndrome, type 4 (EDSVASC). Also called: Ehlers-Danlos syndrome vascular type; Ehlers Danlos syndrome, ecchymotic type; Ehlers Danlos syndrome, arterial type; Ehlers Danlos syndrome, Sack-Barabas type; Ehlers-Danlos Syndrome Type IV. Identifiers: Orphanet 286, MedGen C0268338, MONDO:0017314, OMIM 130050.

Allele frequency attached by ClinVar (database versions not stated): TOPMed below 0.00001; gnomAD 0.00001.
gnomAD v4.1: 1 of 1,613,702 alleles (0.000062%); highest among the groups gnomAD compares: African/African-American, 0.0013%; no homozygotes.

Submissions (2):

Women's Health and Genetics/Laboratory Corporation of America, LabCorp
Classification: Likely pathogenic for Ehlers-Danlos syndrome, type 4. Last evaluated: 2020-11-30. Review status: criteria provided, single submitter. Criteria: LabCorp Variant Classification Summary - May 2015. Collection method: clinical testing. Allele origin: germline.
Comment: Variant summary: COL3A1 c.2627G>C (p.Gly876Ala) results in a non-conservative amino acid change in the encoded protein sequence. Five of five in-silico tools predict a damaging effect of the variant on protein function. The variant was absent in 251438 control chromosomes. To our knowledge, no occurrence of c.2627G>C in individuals affected with Ehlers-Danlos Syndrome, Vascular Type and no experimental evidence demonstrating its impact on protein function have been reported. No clinical diagnostic laboratories have submitted clinical-significance assessments for this variant to ClinVar after 2014. Other changes affecting neighboring glycine residues such as G858, G867, G879, G882, G891, G894, and G897 have been observed in patients with Ehlers-Danlos syndrome IV and vascular type suggesting a critical domain function of this region in the COL3A1 protein. Based on the evidence outlined above, the variant was classified as likely pathogenic.

Labcorp Genetics (formerly Invitae), Labcorp
Classification: Likely pathogenic for Ehlers-Danlos syndrome, type 4. Last evaluated: 2020-10-12. Review status: criteria provided, single submitter. Criteria: Invitae Variant Classification Sherloc (09022015). Collection method: clinical testing. Allele origin: germline.
Comment: This variant disrupts the triple helix domain of COL3A1. Glycine residues within the Gly-Xaa-Yaa repeats of the triple helix domain are required for the structure and stability of fibrillar collagens (PMID: 7695699, 8218237, 19344236). In COL3A1, variants that affect these glycine residues are significantly enriched in individuals with disease (PMID: 24922459, 25758994) compared to the general population (ExAC). Advanced modeling of protein sequence and biophysical properties (such as structural, functional, and spatial information, amino acid conservation, physicochemical variation, residue mobility, and thermodynamic stability) performed at Invitae indicates that this missense variant is expected to disrupt COL3A1 protein function. This variant has not been reported in the literature in individuals with COL3A1-related conditions. This variant is not present in population databases (ExAC no frequency). This sequence change replaces glycine with alanine at codon 876 of the COL3A1 protein (p.Gly876Ala). The glycine residue is highly conserved and there is a small physicochemical difference between glycine and alanine. In summary, the currently available evidence indicates that the variant is pathogenic, but additional data are needed to prove that conclusively. Therefore, this variant has been classified as Likely Pathogenic.

Literature cited by the submitters: PubMed 7695699 (cited by Labcorp Genetics (formerly Invitae), Labcorp); PubMed 8218237 (cited by Labcorp Genetics (formerly Invitae), Labcorp); PubMed 19344236 (cited by Labcorp Genetics (formerly Invitae), Labcorp); PubMed 24922459 (cited by Labcorp Genetics (formerly Invitae), Labcorp); PubMed 25758994 (cited by Labcorp Genetics (formerly Invitae), Labcorp).